The following is an entry in ClinVar:

ClinVar aggregate classification (germline): Uncertain significance. Review status: criteria provided, multiple submitters, no conflicts (2 of 4 stars). 2 submissions from 2 submitters: Uncertain significance (2). Last evaluated 2023-09-05.

Conditions:
Hereditary cancer-predisposing syndrome. Also called: Hereditary neoplastic syndrome; Neoplastic Syndromes, Hereditary; Tumor predisposition; Hereditary Cancer Syndrome. Identifiers: Orphanet 140162, MedGen C0027672, MeSH D009386, MONDO:0015356.
Gorlin syndrome. Also called: Nevoid Basal Cell Carcinoma Syndrome; Basal cell nevus syndrome. Identifiers: Orphanet 377, MedGen C0004779, MONDO:0007187.

Allele frequency attached by ClinVar (database versions not stated): gnomAD 0.00001.
gnomAD v4.1: 1 of 1,597,558 alleles (0.000063%); highest among the groups gnomAD compares: African/African-American, 0.0013%; no homozygotes.

Submissions (2):

Ambry Genetics
Classification: Uncertain significance for Hereditary cancer-predisposing syndrome. Last evaluated: 2023-09-05. Review status: criteria provided, single submitter. Criteria: Ambry Variant Classification Scheme 2023. Collection method: clinical testing. Allele origin: germline.
Comment: The p.T36A variant (also known as c.106A>G), located in coding exon 1 of the PTCH1 gene, results from an A to G substitution at nucleotide position 106. The threonine at codon 36 is replaced by alanine, an amino acid with similar properties. This amino acid position is conserved. In addition, this alteration is predicted to be tolerated by in silico analysis. Since supporting evidence is limited at this time, the clinical significance of this alteration remains unclear.

Labcorp Genetics (formerly Invitae), Labcorp
Classification: Uncertain significance for Gorlin syndrome. Last evaluated: 2022-04-26. Review status: criteria provided, single submitter. Criteria: Invitae Variant Classification Sherloc (09022015). Collection method: clinical testing. Allele origin: germline.
Comment: In summary, the available evidence is currently insufficient to determine the role of this variant in disease. Therefore, it has been classified as a Variant of Uncertain Significance. Advanced modeling of protein sequence and biophysical properties (such as structural, functional, and spatial information, amino acid conservation, physicochemical variation, residue mobility, and thermodynamic stability) performed at Invitae indicates that this missense variant is not expected to disrupt PTCH1 protein function. ClinVar contains an entry for this variant (Variation ID: 1007822). This variant has not been reported in the literature in individuals affected with PTCH1-related conditions. This variant is not present in population databases (gnomAD no frequency). This sequence change replaces threonine, which is neutral and polar, with alanine, which is neutral and non-polar, at codon 36 of the PTCH1 protein (p.Thr36Ala).

NM_000264.5(PTCH1):c.106A>G (p.Thr36Ala)

Genes: PTCH1 (patched 1; minus strand), LOC130002133 (ATAC-STARR-seq lymphoblastoid silent region 20071; plus strand). Cytogenetic location: 9q22.32.
Variant type: single nucleotide variant.
Coding change: c.106A>G on transcript NM_000264.5 (MANE Select); coding-DNA position 106, A replaced by G.
Protein change: p.Thr36Ala; replaces threonine 36 with alanine.
Molecular consequence: missense variant. On other transcripts: non-coding transcript variant (1), intron variant (3).
Genome position (GRCh38, 1-based): chr9:95,508,256, T>C on the plus strand (A>G on the coding strand, the complement: PTCH1 is on the minus strand). VCF-style: chr9-95508256-T-C. GRCh37 (hg19) VCF-style: chr9-98270538-T-C.
Other names: c.106A>G, p.Thr36Ala (NM_001354918.2); c.199-1657A>G (NM_001083603.3); c.4-1657A>G (NM_001083602.3, NM_001354919.2); c.106A>G (NM_000264.3); short protein forms T36A.
Identifiers: ClinVar variation 1007822 (VCV001007822.11), dbSNP rs1843898216, ClinGen allele CA374121417.